The following is an entry in ClinVar:

NM_016169.4(SUFU):c.1381G>A (p.Glu461Lys)

Gene: SUFU (SUFU negative regulator of hedgehog signaling; plus strand). Cytogenetic location: 10q24.32.
Variant type: single nucleotide variant.
Coding change: c.1381G>A on transcript NM_016169.4 (MANE Select); coding-DNA position 1381, G replaced by A.
Protein change: p.Glu461Lys; replaces glutamic acid 461 with lysine.
Molecular consequence: missense variant.
Genome position (GRCh38, 1-based): chr10:102,630,081, G>A. VCF-style: chr10-102630081-G-A. GRCh37 (hg19) VCF-style: chr10-104389838-G-A.
Other names: short protein forms E461K.
Identifiers: ClinVar variation 1771299 (VCV001771299.2), dbSNP rs2063824160, ClinGen allele CA377920549.

ClinVar aggregate classification (germline): Uncertain significance (1 of 4 stars; one submission).

Conditions:
Hereditary cancer-predisposing syndrome. Also called: Hereditary Cancer Syndrome; Hereditary neoplastic syndrome; Neoplastic Syndromes, Hereditary; Tumor predisposition. Identifiers: Orphanet 140162, MedGen C0027672, MeSH D009386, MONDO:0015356.

Submission:

Ambry Genetics
Classification: Uncertain significance for Hereditary cancer-predisposing syndrome. Last evaluated: 2022-03-16. Review status: criteria provided, single submitter. Criteria: Ambry Variant Classification Scheme 2023. Collection method: clinical testing. Allele origin: germline.
Comment: The p.E461K variant (also known as c.1381G>A), located in coding exon 12 of the SUFU gene, results from a G to A substitution at nucleotide position 1381. The glutamic acid at codon 461 is replaced by lysine, an amino acid with similar properties. This amino acid position is conserved. In addition, the in silico prediction for this alteration is inconclusive. Since supporting evidence is limited at this time, the clinical significance of this alteration remains unclear.